The following is an entry in ClinVar:

NM_205861.3(DHDDS):c.264_267del (p.Ser88fs)

Gene: DHDDS (dehydrodolichyl diphosphate synthase subunit; plus strand). Cytogenetic location: 1p36.11.
Variant type: Deletion.
Coding change: c.264_267del on transcript NM_205861.3 (MANE Select); coding-DNA positions 264 to 267, 4 bases deleted (TGAG; older notation c.264_267delTGAG).
Protein change: p.Ser88fs; shifts the reading frame from serine 88.
Molecular consequence: frameshift variant. On other transcripts: 5 prime UTR variant (1).
Genome position (GRCh38, 1-based): chr1:26,442,814-26,442,817, TGAG deleted; deleting any 4 consecutive bases within chr1:26,442,811-26,442,817 gives the same sequence; the c. name uses the placement nearest the transcript's 3' end. VCF-style (leftmost placement, unchanged base first): chr1-26442810-AGAGT-A. GRCh37 (hg19) VCF-style: chr1-26769301-AGAGT-A.
Other names: c.264_267del (NM_024887.3); c.264_267del, p.Ser88fs (NM_001243564.2, NM_001243565.2, NM_024887.4); c.-16_-13del (NM_001319959.2); short protein forms S88fs.
Identifiers: ClinVar variation 2674801 (VCV002674801.4), dbSNP rs2524516472, ClinGen allele CA2695197989.

ClinVar aggregate classification (germline): Pathogenic/Likely pathogenic. Review status: criteria provided, multiple submitters, no conflicts (2 of 4 stars). 2 submissions from 2 submitters: Pathogenic (1); Likely pathogenic (1). Last evaluated 2023-11-25.

Conditions:
Retinitis pigmentosa 59 (RP59). Identifiers: Orphanet 791, MedGen C3151227, MONDO:0013468, OMIM 613861.

Submissions (2):

Labcorp Genetics (formerly Invitae), Labcorp
Classification: Pathogenic for Retinitis pigmentosa 59. Last evaluated: 2023-11-25. Review status: criteria provided, single submitter. Criteria: Invitae Variant Classification Sherloc (09022015). Collection method: clinical testing. Allele origin: germline.
Comment: This sequence change creates a premature translational stop signal (p.Ser88Argfs*2) in the DHDDS gene. It is expected to result in an absent or disrupted protein product. Loss-of-function variants in DHDDS are known to be pathogenic (PMID: 24664742). This variant is not present in population databases (gnomAD no frequency). This variant has not been reported in the literature in individuals affected with DHDDS-related conditions. For these reasons, this variant has been classified as Pathogenic.

Baylor Genetics
Classification: Likely pathogenic for Retinitis pigmentosa 59. Last evaluated: 2023-08-03. Review status: criteria provided, single submitter. Criteria: ACMG Guidelines, 2015. Collection method: clinical testing. Allele origin: unknown.

Literature cited by the submitters: PubMed 24664742 (cited by Labcorp Genetics (formerly Invitae), Labcorp).